The following is an entry in ClinVar:

NM_000548.5(TSC2):c.3611-4G>T

Gene: TSC2 (TSC complex subunit 2; plus strand). Cytogenetic location: 16p13.3.
Variant type: single nucleotide variant.
Coding change: c.3611-4G>T on transcript NM_000548.5 (MANE Select); 4 bases into the intron before coding-DNA position 3611, G replaced by T.
Molecular consequence: intron variant.
Genome position (GRCh38, 1-based): chr16:2,081,591, G>T. VCF-style: chr16-2081591-G-T. GRCh37 (hg19) VCF-style: chr16-2131592-G-T.
Other names: c.3335-4G>T (NM_001318829.2); c.3512-4G>T (NM_001318832.2); c.3611-4G>T (NM_001114382.3); c.3482-4G>T (NM_021055.3, NM_001370405.1, NM_001363528.2); c.3479-4G>T (NM_001370404.1, NM_001077183.3); c.3371-4G>T (NM_001318827.2); c.2879-4G>T (NM_001318831.2).
Identifiers: ClinVar variation 386821 (VCV000386821.15), dbSNP rs368926908, ClinGen allele CA16607313.

ClinVar aggregate classification (germline): Likely benign. Review status: criteria provided, multiple submitters, no conflicts (2 of 4 stars). 5 submissions from 5 submitters: Likely benign (5). Last evaluated 2025-05-30.

Conditions:
Hereditary cancer-predisposing syndrome. Also called: Neoplastic Syndromes, Hereditary; Hereditary neoplastic syndrome; Tumor predisposition; Hereditary Cancer Syndrome. Identifiers: Orphanet 140162, MedGen C0027672, MeSH D009386, MONDO:0015356.
Tuberous sclerosis 2 (TSC2). Identifiers: Orphanet 805, MedGen C1860707, MONDO:0013199, OMIM 613254.

gnomAD v4.1: 1 of 1,612,882 alleles (0.000062%); highest among the groups gnomAD compares: African/African-American, 0.0013%; no homozygotes.

Submissions (5):

Myriad Genetics, Inc.
Classification: Likely benign for Tuberous sclerosis 2. Last evaluated: 2025-05-30. Review status: criteria provided, single submitter. Criteria: Myriad Autosomal Dominant, Autosomal Recessive and X-Linked Classification Criteria (2023). Collection method: clinical testing. Allele origin: unknown.
Comment: This variant is considered likely benign. This variant is intronic and is not expected to impact mRNA splicing.

Ambry Genetics
Classification: Likely benign for Hereditary cancer-predisposing syndrome. Last evaluated: 2025-05-12. Review status: criteria provided, single submitter. Criteria: Ambry Variant Classification Scheme 2023. Collection method: clinical testing. Allele origin: germline.

Labcorp Genetics (formerly Invitae), Labcorp
Classification: Likely benign for Tuberous sclerosis 2. Last evaluated: 2025-03-05. Review status: criteria provided, single submitter. Criteria: Invitae Variant Classification Sherloc (09022015). Collection method: clinical testing. Allele origin: germline.

Genome-Nilou Lab
Classification: Likely benign for Tuberous sclerosis 2. Last evaluated: 2021-11-07. Review status: criteria provided, single submitter. Criteria: ACMG Guidelines, 2015. Collection method: clinical testing. Allele origin: germline. Affected: no.

GeneDx
Classification: Likely benign. Last evaluated: 2016-06-08. Review status: criteria provided, single submitter. Criteria: GeneDx Variant Classification (06012015). Collection method: clinical testing. Allele origin: germline. Affected: yes.
Comment: This variant is considered likely benign or benign based on one or more of the following criteria: it is a conservative change, it occurs at a poorly conserved position in the protein, it is predicted to be benign by multiple in silico algorithms, and/or has population frequency not consistent with disease.